The following is an entry in ClinVar:

ClinVar aggregate classification (germline): Uncertain significance (1 of 4 stars; one submission).

Submission:

GeneDx
Classification: Uncertain significance. Last evaluated: 2025-03-29. Review status: criteria provided, single submitter. Criteria: GeneDx Variant Classification Process June 2021. Collection method: clinical testing. Allele origin: germline. Affected: yes.
Comment: Not observed at significant frequency in large population cohorts (gnomAD); In silico analysis supports that this missense variant has a deleterious effect on protein structure/function; Has not been previously published as pathogenic or benign to our knowledge; Not located in one of the three hot-spot regions of the RYR2 gene, where the majority of pathogenic missense variants occur (PMID: 19926015); This variant is associated with the following publications: (PMID: 19926015)

NM_001035.3(RYR2):c.3530T>C (p.Leu1177Pro)

Gene: RYR2 (ryanodine receptor 2; plus strand). Cytogenetic location: 1q43.
Variant type: single nucleotide variant.
Coding change: c.3530T>C on transcript NM_001035.3 (MANE Select); coding-DNA position 3530, T replaced by C.
Protein change: p.Leu1177Pro; replaces leucine 1177 with proline.
Molecular consequence: missense variant.
Genome position (GRCh38, 1-based): chr1:237,569,251, T>C. VCF-style: chr1-237569251-T-C. GRCh37 (hg19) VCF-style: chr1-237732551-T-C.
Other names: short protein forms L1177P.
Identifiers: ClinVar variation 4088095 (VCV004088095.1).